The following is an entry in ClinVar:

NM_000478.6(ALPL):c.1009G>A (p.Asp337Asn)

Gene: ALPL (alkaline phosphatase, biomineralization associated; plus strand). Cytogenetic location: 1p36.12.
Variant type: single nucleotide variant.
Coding change: c.1009G>A on transcript NM_000478.6 (MANE Select); coding-DNA position 1009, G replaced by A.
Protein change: p.Asp337Asn; replaces aspartic acid 337 with asparagine.
Molecular consequence: missense variant.
Genome position (GRCh38, 1-based): chr1:21,575,744, G>A. VCF-style: chr1-21575744-G-A. GRCh37 (hg19) VCF-style: chr1-21902237-G-A.
Other names: c.844G>A, p.Asp282Asn (NM_001127501.4); c.778G>A, p.Asp260Asn (NM_001177520.3); c.1009G>A, p.Asp337Asn (NM_001369803.2, NM_001369804.2, NM_001369805.2); short protein forms D260N, D282N, D337N.
Identifiers: ClinVar variation 4086856 (VCV004086856.1).

ClinVar aggregate classification (germline): Likely pathogenic (1 of 4 stars; one submission).

Conditions:
Hypophosphatasia. Also called: Phosphoethanol-aminuria. Identifiers: Orphanet 436, MedGen C0020630, MeSH D007014, MONDO:0018570.

Submission:

Genomenon, Inc
Classification: Likely pathogenic for Hypophosphatasia. Last evaluated: 2025-08-29. Review status: criteria provided, single submitter. Criteria: Genomenon Sequence Variant Interpretation Standards. Collection method: curation. Allele origin: germline. Affected: yes.
Comment: ALPL c.1009G>A is a missense variant that changes the amino acid at residue 337 from Aspartic acid to Asparagine. This variant has been observed in at least one proband affected with hypophosphatasia (PMID:29774402). It is absent or not present at a significant frequency in gnomAD. In silico models agree that this variant is possibly or probably damaging. The presence of pathogenic missense variant(s) at the same amino acid position indicates that this residue is likely important for protein function. In conclusion, we classify ALPL p.Asp337Asn (c.1009G>A) as a likely pathogenic variant.

Literature cited by the submitters: PubMed 29774402.